The following is an entry in ClinVar:

ClinVar aggregate classification (germline): Uncertain significance (1 of 4 stars; one submission).

Conditions:
Muscular dystrophy-dystroglycanopathy (congenital with brain and eye anomalies), type a, 8 (MDDGA8). Also called: WALKER-WARBURG SYNDROME OR MUSCLE-EYE-BRAIN DISEASE, GTDC2-RELATED. Identifiers: Orphanet 899, MedGen C3553813, MONDO:0013904, OMIM 614830.

Allele frequency attached by ClinVar (database versions not stated): gnomAD exomes below 0.00001; ExAC 0.00001.

Submission:

Labcorp Genetics (formerly Invitae), Labcorp
Classification: Uncertain significance for Muscular dystrophy-dystroglycanopathy (congenital with brain and eye anomalies), type a, 8. Last evaluated: 2021-11-23. Review status: criteria provided, single submitter. Criteria: Invitae Variant Classification Sherloc (09022015). Collection method: clinical testing. Allele origin: germline.
Comment: In summary, the available evidence is currently insufficient to determine the role of this variant in disease. Therefore, it has been classified as a Variant of Uncertain Significance. Algorithms developed to predict the effect of missense changes on protein structure and function (SIFT, PolyPhen-2, Align-GVGD) all suggest that this variant is likely to be disruptive. This variant has not been reported in the literature in individuals affected with POMGNT2-related conditions. This variant is present in population databases (rs781062694, gnomAD 0.0009%). This sequence change replaces asparagine, which is neutral and polar, with lysine, which is basic and polar, at codon 302 of the POMGNT2 protein (p.Asn302Lys).

NM_032806.6(POMGNT2):c.906T>G (p.Asn302Lys)

Gene: POMGNT2 (protein O-linked mannose N-acetylglucosaminyltransferase 2 (beta 1,4-); minus strand). Cytogenetic location: 3p22.1.
Variant type: single nucleotide variant.
Coding change: c.906T>G on transcript NM_032806.6 (MANE Select); coding-DNA position 906, T replaced by G.
Protein change: p.Asn302Lys; replaces asparagine 302 with lysine.
Molecular consequence: missense variant.
Genome position (GRCh38, 1-based): chr3:43,080,526, A>C on the plus strand (T>G on the coding strand, the complement: POMGNT2 is on the minus strand). VCF-style: chr3-43080526-A-C. GRCh37 (hg19) VCF-style: chr3-43122018-A-C.
Other names: short protein forms N302K.
Identifiers: ClinVar variation 1451066 (VCV001451066.6), dbSNP rs781062694, ClinGen allele CA2339967.